The following is an entry in ClinVar:

NM_014319.5(LEMD3):c.1531C>T (p.Pro511Ser)

Gene: LEMD3 (LEM domain containing 3; plus strand). Cytogenetic location: 12q14.3.
Variant type: single nucleotide variant.
Coding change: c.1531C>T on transcript NM_014319.5 (MANE Select); coding-DNA position 1531, C replaced by T.
Protein change: p.Pro511Ser; replaces proline 511 with serine.
Molecular consequence: missense variant.
Genome position (GRCh38, 1-based): chr12:65,210,934, C>T. VCF-style: chr12-65210934-C-T. GRCh37 (hg19) VCF-style: chr12-65604714-C-T.
Other names: c.1528C>T, p.Pro510Ser (NM_001167614.2); short protein forms P510S, P511S.
Identifiers: ClinVar variation 4810215 (VCV004810215.1).

ClinVar aggregate classification (germline): Uncertain significance (1 of 4 stars; one submission).

Submission:

Labcorp Genetics (formerly Invitae), Labcorp
Classification: Uncertain significance. Last evaluated: 2025-02-10. Review status: criteria provided, single submitter. Criteria: Invitae Variant Classification Sherloc (09022015). Collection method: clinical testing. Allele origin: germline.
Comment: This sequence change replaces proline, which is neutral and non-polar, with serine, which is neutral and polar, at codon 511 of the LEMD3 protein (p.Pro511Ser). This variant is not present in population databases (gnomAD no frequency). This variant has not been reported in the literature in individuals affected with LEMD3-related conditions. Invitae Evidence Modeling of protein sequence and biophysical properties (such as structural, functional, and spatial information, amino acid conservation, physicochemical variation, residue mobility, and thermodynamic stability) indicates that this missense variant is not expected to disrupt LEMD3 protein function with a negative predictive value of 80%. In summary, the available evidence is currently insufficient to determine the role of this variant in disease. Therefore, it has been classified as a Variant of Uncertain Significance.